The following is an entry in ClinVar:

ClinVar aggregate classification (germline): Uncertain significance (1 of 4 stars; one submission).

Submission:

Labcorp Genetics (formerly Invitae), Labcorp
Classification: Uncertain significance. Last evaluated: 2022-08-09. Review status: criteria provided, single submitter. Criteria: Invitae Variant Classification Sherloc (09022015). Collection method: clinical testing. Allele origin: germline.
Comment: In summary, the available evidence is currently insufficient to determine the role of this variant in disease. Therefore, it has been classified as a Variant of Uncertain Significance. Algorithms developed to predict the effect of missense changes on protein structure and function are either unavailable or do not agree on the potential impact of this missense change (SIFT: "Deleterious"; PolyPhen-2: "Probably Damaging"; Align-GVGD: "Class C0"). ClinVar contains an entry for this variant (Variation ID: 1427321). This variant has not been reported in the literature in individuals affected with RAI1-related conditions. This variant is not present in population databases (gnomAD no frequency). This sequence change replaces proline, which is neutral and non-polar, with leucine, which is neutral and non-polar, at codon 982 of the RAI1 protein (p.Pro982Leu).

NM_030665.4(RAI1):c.2945C>T (p.Pro982Leu)

Gene: RAI1 (retinoic acid induced 1; plus strand). Cytogenetic location: 17p11.2.
Variant type: single nucleotide variant.
Coding change: c.2945C>T on transcript NM_030665.4 (MANE Select); coding-DNA position 2945, C replaced by T.
Protein change: p.Pro982Leu; replaces proline 982 with leucine.
Molecular consequence: missense variant.
Genome position (GRCh38, 1-based): chr17:17,795,893, C>T. VCF-style: chr17-17795893-C-T. GRCh37 (hg19) VCF-style: chr17-17699207-C-T.
Other names: short protein forms P982L.
Identifiers: ClinVar variation 1427321 (VCV001427321.8), dbSNP rs779219589, ClinGen allele CA398552461.